The following is an entry in ClinVar:

NM_000089.4(COL1A2):c.3482G>T (p.Arg1161Leu)

Gene: COL1A2 (collagen type I alpha 2 chain; plus strand). Cytogenetic location: 7q21.3.
Variant type: single nucleotide variant.
Coding change: c.3482G>T on transcript NM_000089.4 (MANE Select); coding-DNA position 3482, G replaced by T.
Protein change: p.Arg1161Leu; replaces arginine 1161 with leucine.
Molecular consequence: missense variant.
Genome position (GRCh38, 1-based): chr7:94,427,841, G>T. VCF-style: chr7-94427841-G-T. GRCh37 (hg19) VCF-style: chr7-94057153-G-T.
Other names: short protein forms R1161L.
Identifiers: ClinVar variation 1205539 (VCV001205539.10), dbSNP rs542912072, ClinGen allele CA162941267.

ClinVar aggregate classification (germline): Uncertain significance. Review status: criteria provided, multiple submitters, no conflicts (2 of 4 stars). 3 submissions from 3 submitters: Uncertain significance (3). Last evaluated 2026-01-27.

Conditions:
Combined osteogenesis imperfecta and Ehlers-Danlos syndrome 2. Also called: OIEDS SYNDROME 2. Identifiers: MedGen C5436847, MONDO:0030855, OMIM 619120.
Ehlers-Danlos syndrome, arthrochalasia type, 2. Also called: EHLERS-DANLOS SYNDROME, TYPE VIIB, AUTOSOMAL DOMINANT. Identifiers: MedGen CN293783, MONDO:0040501, OMIM 617821.
Osteogenesis imperfecta type I (OI1). Also called: OI, TYPE I; OSTEOGENESIS IMPERFECTA TARDA; OSTEOGENESIS IMPERFECTA WITH BLUE SCLERAE; Classic Non-deforming Osteogenesis Imperfecta with Blue Sclerae; Osteogenesis imperfecta type 1; Lobstein's Disease. Identifiers: Orphanet 216796, Orphanet 666, MedGen C0023931, MONDO:0008146, OMIM 166200. Disease mechanism: loss of function.
Ehlers-Danlos syndrome, classic type, 1 (EDSCL1). Also called: EHLERS-DANLOS SYNDROME, GRAVIS TYPE; EHLERS-DANLOS SYNDROME, SEVERE CLASSIC TYPE; Ehlers-Danlos syndrome, type 1; Ehlers-Danlos Syndrome, Classic Type, COL5A1-Related; EDS I. Identifiers: MedGen C0268335, MONDO:0019567, OMIM 130000.

gnomAD v4.1: 5 of 1,614,114 alleles (0.00031%); highest among the groups gnomAD compares: Middle Eastern, 0.049%; no homozygotes.

Submissions (3):

Labcorp Genetics (formerly Invitae), Labcorp
Classification: Uncertain significance for Osteogenesis imperfecta type I; Ehlers-Danlos syndrome, classic type, 1. Last evaluated: 2026-01-27. Review status: criteria provided, single submitter. Criteria: Invitae Variant Classification Sherloc (09022015). Collection method: clinical testing. Allele origin: germline.
Comment: This sequence change replaces arginine, which is basic and polar, with leucine, which is neutral and non-polar, at codon 1161 of the COL1A2 protein (p.Arg1161Leu). This variant is not present in population databases (gnomAD no frequency). This variant has not been reported in the literature in individuals affected with COL1A2-related conditions. ClinVar contains an entry for this variant (Variation ID: 1205539). Invitae Evidence Modeling of protein sequence and biophysical properties (such as structural, functional, and spatial information, amino acid conservation, physicochemical variation, residue mobility, and thermodynamic stability) has been performed for this missense variant. However, the output from this modeling did not meet the statistical confidence thresholds required to predict the impact of this variant on COL1A2 protein function. In summary, the available evidence is currently insufficient to determine the role of this variant in disease. Therefore, it has been classified as a Variant of Uncertain Significance.

3billion
Classification: Uncertain significance for Combined osteogenesis imperfecta and Ehlers-Danlos syndrome 2; Ehlers-Danlos syndrome, arthrochalasia type, 2. Last evaluated: 2024-02-19. Review status: criteria provided, single submitter. Criteria: ACMG Guidelines, 2015. Collection method: clinical testing. Allele origin: germline. Affected: yes.
Comment: The variant is not observed in the gnomAD v2.1.1 dataset. Predicted Consequence/Location: Missense changes are a common disease-causing mechanism. In silico tool predictions suggest damaging effect of the variant on gene or gene product [REVEL: 0.90 (>=0.6, sensitivity 0.68 and specificity 0.92); 3Cnet: 0.42 (>=0.6, sensitivity 0.72 and precision 0.9)]. Therefore, this variant is classified as VUS according to the recommendation of ACMG/AMP guideline.

GeneDx
Classification: Uncertain significance. Last evaluated: 2020-01-09. Review status: criteria provided, single submitter. Criteria: GeneDx Variant Classification Process June 2021. Collection method: clinical testing. Allele origin: germline. Affected: yes.
Comment: Has not been previously published as pathogenic or benign to our knowledge; Not observed in large population cohorts (Lek et al., 2016); In silico analysis, which includes protein predictors and evolutionary conservation, supports a deleterious effect; Not located in the triple helical region, where the majority of pathogenic missense variants occur (Stenson et al., 2014)